The following is an entry in ClinVar:

NM_001005361.3(DNM2):c.*601C>T

Gene: DNM2 (dynamin 2; plus strand). Cytogenetic location: 19p13.2.
Variant type: single nucleotide variant.
Coding change: c.*601C>T on transcript NM_001005361.3 (MANE Select); 601 bases downstream of the stop codon, C replaced by T.
Molecular consequence: 3 prime UTR variant.
Genome position (GRCh38, 1-based): chr19:10,831,648, C>T. VCF-style: chr19-10831648-C-T. GRCh37 (hg19) VCF-style: chr19-10942324-C-T.
Other names: c.*601C>T (NM_001005360.3, NM_001005362.3, NM_001190716.2 and 1 more transcripts).
Identifiers: ClinVar variation 328012 (VCV000328012.5), dbSNP rs185820576, ClinGen allele CA10651408.

ClinVar aggregate classification (germline): Benign. Review status: criteria provided, single submitter (1 of 4 stars). 2 submissions from 1 submitter: Benign (2). Last evaluated 2018-01-12.

Conditions:
Charcot-Marie-Tooth disease dominant intermediate B (CMTDIB). Also called: CHARCOT-MARIE-TOOTH NEUROPATHY, DOMINANT INTERMEDIATE B; Charcot-Marie-Tooth disease dominant intermediate 1; CMT DI1; Charcot-Marie-Tooth disease dominant intermediate I. Identifiers: Orphanet 100044, Orphanet 228179, MedGen C1847902, MONDO:0011674, OMIM 606482.
Autosomal dominant centronuclear myopathy. Also called: MYOTUBULAR MYOPATHY, AUTOSOMAL DOMINANT; Myopathy, centronuclear, 3. Identifiers: Orphanet 169189, MedGen C4551952, MeSH D020914, MONDO:0008048, OMIM 160150.

Allele frequency attached by ClinVar (database versions not stated): gnomAD 0.00003 and 0.00013; TOPMed 0.00003; 1000 Genomes Project 30x 0.00047; 1000 Genomes Project 0.00060.
gnomAD v4.1: 39 of 986,072 alleles (0.004%); highest among the groups gnomAD compares: East Asian, 0.39%; 1 homozygote.

Submissions (2):

Illumina Laboratory Services, Illumina
Classification: Benign for Autosomal dominant centronuclear myopathy. Last evaluated: 2018-01-12. Review status: criteria provided, single submitter. Criteria: ICSL Variant Classification Criteria 13 December 2019. Collection method: clinical testing. Allele origin: germline.
Comment: This variant was observed in the ICSL laboratory as part of a predisposition screen in an ostensibly healthy population. It had not been previously curated by ICSL or reported in the Human Gene Mutation Database (HGMD: prior to June 1st, 2018), and was therefore a candidate for classification through an automated scoring system. Utilizing variant allele frequency, disease prevalence and penetrance estimates, and inheritance mode, an automated score was calculated to assess if this variant is too frequent to cause the disease. Based on the score and internal cut-off values, a variant classified as benign is not then subjected to further curation. The score for this variant resulted in a classification of benign for this disease.

Illumina Laboratory Services, Illumina
Classification: Benign for Charcot-Marie-Tooth disease dominant intermediate B. Last evaluated: 2018-01-12. Review status: criteria provided, single submitter. Criteria: ICSL Variant Classification Criteria 13 December 2019. Collection method: clinical testing. Allele origin: germline.
Comment: the same text as in the submission from Illumina Laboratory Services, Illumina above.